The following is an entry in ClinVar:

NM_032447.5(FBN3):c.4199G>A (p.Arg1400Gln)

Gene: FBN3 (fibrillin 3; minus strand). Cytogenetic location: 19p13.2.
Variant type: single nucleotide variant.
Coding change: c.4199G>A on transcript NM_032447.5 (MANE Select); coding-DNA position 4199, G replaced by A.
Protein change: p.Arg1400Gln; replaces arginine 1400 with glutamine.
Molecular consequence: missense variant.
Genome position (GRCh38, 1-based): chr19:8,111,069, C>T on the plus strand (G>A on the coding strand, the complement: FBN3 is on the minus strand). VCF-style: chr19-8111069-C-T. GRCh37 (hg19) VCF-style: chr19-8175953-C-T.
Other names: c.4199G>A, p.Arg1400Gln (NM_001321431.2); short protein forms R1400Q.
Identifiers: ClinVar variation 1136985 (VCV001136985.16), dbSNP rs140448414, ClinGen allele CA9152150.
Genomic context (GRCh38, chr19:8,111,069, plus strand): 5'-AGGGGGGACCTACCCACTCTGTCCTCTGCCCTGGCGGGCCCAACCTTACCCTGGCAGGCC[C>T]GGTGGTCCTCGGTGGGGTCAAAGCCCATCTCACATTCACAGCGGTACCCGCCGGGCGCAT-3'
Protein context (NP_115823.3, residues 1390-1410): EMGFDPTEDH[Arg1400Gln]ACQDVDECAQ

ClinVar aggregate classification (germline): Likely benign. Review status: criteria provided, multiple submitters, no conflicts (2 of 4 stars). 3 submissions from 3 submitters: Likely benign (3). Last evaluated 2026-04-01.

Allele frequency attached by ClinVar (database versions not stated): 1000 Genomes Project 30x 0.00141; 1000 Genomes Project 0.00100; ESP Exome Variant Server 0.00115.
gnomAD v4.1: 2,760 of 1,612,962 alleles (0.17%); highest among the groups gnomAD compares: Middle Eastern, 1.4%; 6 homozygotes.

Submissions (3):

CeGaT Center for Human Genetics Tuebingen
Classification: Likely benign. Last evaluated: 2026-04-01. Review status: criteria provided, single submitter. Criteria: CeGaT Center For Human Genetics Tuebingen Variant Classification Criteria Version 2. Collection method: clinical testing. Allele origin: germline. Affected: yes. Observed: 2 variant alleles.
Comment: FBN3: BP4

Labcorp Genetics (formerly Invitae), Labcorp
Classification: Likely benign. Last evaluated: 2026-01-26. Review status: criteria provided, single submitter. Criteria: Invitae Variant Classification Sherloc (09022015). Collection method: clinical testing. Allele origin: germline.

Breakthrough Genomics
Classification: Likely benign. Review status: criteria provided, single submitter. Criteria: ACMG Guidelines, 2015. Collection method: not provided. Allele origin: germline. Inheritance: Unknown mechanism. Affected: yes.